The following is an entry in ClinVar:

ClinVar aggregate classification (germline): Conflicting classifications of pathogenicity. Review status: criteria provided, conflicting classifications (1 of 4 stars). 2 submissions from 2 submitters: Uncertain significance (1); Likely benign (1). Last evaluated 2024-11-08.

Conditions:
Inborn genetic diseases. Identifiers: MedGen C0950123, MeSH D030342.

Allele frequency attached by ClinVar (database versions not stated): gnomAD exomes 0.00001; TOPMed 0.00001; ExAC 0.00002.

Submissions (2):

Labcorp Genetics (formerly Invitae), Labcorp
Classification: Uncertain significance. Last evaluated: 2024-11-08. Review status: criteria provided, single submitter. Criteria: Invitae Variant Classification Sherloc (09022015). Collection method: clinical testing. Allele origin: germline.
Comment: This sequence change replaces arginine, which is basic and polar, with glutamine, which is neutral and polar, at codon 394 of the EFTUD2 protein (p.Arg394Gln). This variant is present in population databases (rs768949621, gnomAD 0.003%). This variant has not been reported in the literature in individuals affected with EFTUD2-related conditions. ClinVar contains an entry for this variant (Variation ID: 2403275). Invitae Evidence Modeling of protein sequence and biophysical properties (such as structural, functional, and spatial information, amino acid conservation, physicochemical variation, residue mobility, and thermodynamic stability) indicates that this missense variant is not expected to disrupt EFTUD2 protein function with a negative predictive value of 80%. In summary, the available evidence is currently insufficient to determine the role of this variant in disease. Therefore, it has been classified as a Variant of Uncertain Significance.

Ambry Genetics
Classification: Likely benign for Inborn genetic diseases. Last evaluated: 2022-10-13. Review status: criteria provided, single submitter. Criteria: Ambry Variant Classification Scheme 2023. Collection method: clinical testing. Allele origin: germline.

NM_004247.4(EFTUD2):c.1181G>A (p.Arg394Gln)

Gene: EFTUD2 (elongation factor Tu GTP binding domain containing 2; minus strand). Cytogenetic location: 17q21.31.
Variant type: single nucleotide variant.
Coding change: c.1181G>A on transcript NM_004247.4 (MANE Select); coding-DNA position 1181, G replaced by A.
Protein change: p.Arg394Gln; replaces arginine 394 with glutamine.
Molecular consequence: missense variant.
Genome position (GRCh38, 1-based): chr17:44,865,034, C>T on the plus strand (G>A on the coding strand, the complement: EFTUD2 is on the minus strand). VCF-style: chr17-44865034-C-T. GRCh37 (hg19) VCF-style: chr17-42942402-C-T.
Other names: c.1076G>A, p.Arg359Gln (NM_001142605.2); c.1181G>A, p.Arg394Gln (NM_001258353.2); c.1151G>A, p.Arg384Gln (NM_001258354.2); short protein forms R394Q, R359Q, R384Q.
Identifiers: ClinVar variation 2403275 (VCV002403275.4), dbSNP rs768949621, ClinGen allele CA8607848.
Genomic context (GRCh38, chr17:44,865,034, plus strand): 5'-GGGCGGATGTTCAGCTTCAGCTCCTCCTTCGTCAGGTGGATGCCAAGCTCGTCTAGGGTC[C>T]GTGGGAGGCTGGTGTCCACGTCACCTACAACCTGTGAGGGTGTAAGACACCATGTCAGCT-3'
Protein context (NP_004238.3, residues 384-404): VVGDVDTSLP[Arg394Gln]TLDELGIHLT